The following is an entry in ClinVar:

NM_004364.5(CEBPA):c.673C>A (p.Pro225Thr)

Gene: CEBPA (CCAAT enhancer binding protein alpha; minus strand). Cytogenetic location: 19q13.11.
Variant type: single nucleotide variant.
Coding change: c.673C>A on transcript NM_004364.5 (MANE Select); coding-DNA position 673, C replaced by A.
Protein change: p.Pro225Thr; replaces proline 225 with threonine.
Molecular consequence: missense variant.
Genome position (GRCh38, 1-based): chr19:33,301,742, G>T on the plus strand (C>A on the coding strand, the complement: CEBPA is on the minus strand). VCF-style: chr19-33301742-G-T. GRCh37 (hg19) VCF-style: chr19-33792648-G-T.
Other names: c.631C>A, p.Pro211Thr (NM_001287435.2); c.316C>A, p.Pro106Thr (NM_001285829.2); c.778C>A, p.Pro260Thr (NM_001287424.2); short protein forms P106T, P225T, P260T, P211T.
Identifiers: ClinVar variation 5034262 (VCV005034262.1).

ClinVar aggregate classification (germline): Uncertain significance (1 of 4 stars; one submission).

Conditions:
Inborn genetic diseases. Identifiers: MedGen C0950123, MeSH D030342.

Submission:

Ambry Genetics
Classification: Uncertain significance for Inborn genetic diseases. Last evaluated: 2026-06-24. Review status: criteria provided, single submitter. Criteria: Ambry Variant Classification Scheme 2023. Collection method: clinical testing. Allele origin: germline.
Comment: The p.P225T variant (also known as c.673C>A), located in coding exon 1 of the CEBPA gene, results from a C to A substitution at nucleotide position 673. The proline at codon 225 is replaced by threonine, an amino acid with highly similar properties. This amino acid position is conserved. In addition, this alteration is predicted to be tolerated by in silico analysis. Based on the available evidence, the clinical significance of this variant remains unclear.